The following is an entry in ClinVar:

ClinVar aggregate classification (germline): Uncertain significance. Review status: criteria provided, multiple submitters, no conflicts (2 of 4 stars). 4 submissions from 4 submitters: Uncertain significance (4). Last evaluated 2024-10-29.

Conditions:
Inborn genetic diseases. Identifiers: MedGen C0950123, MeSH D030342.
Asphyxiating thoracic dystrophy 2 (SRTD2). Also called: SHORT-RIB THORACIC DYSPLASIA 2 WITH OR WITHOUT POLYDACTYLY; SHORT-RIB THORACIC DYSPLASIA 2 WITH POLYDACTYLY; SHORT-RIB THORACIC DYSPLASIA 2 WITHOUT POLYDACTYLY. Identifiers: Orphanet 474, MedGen C1970005, MONDO:0012644, OMIM 611263.
Jeune thoracic dystrophy. Also called: Short-rib thoracic dysplasia; Jeune syndrome; Infantile thoracic dystrophy; Thoracic pelvic phalangeal dystrophy; Jeune's syndrome; Chondroectodermal dysplasia-like syndrome. Identifiers: Orphanet 474, MedGen C0265275, MONDO:0018770.

Allele frequency attached by ClinVar (database versions not stated): gnomAD exomes 0.00010 and 0.00030; gnomAD 0.00019 and 0.00021; TOPMed 0.00020; ExAC 0.00023; 1000 Genomes Project 30x 0.00031; 1000 Genomes Project 0.00040.
gnomAD v4.1: 192 of 1,612,766 alleles (0.012%); highest among the groups gnomAD compares: South Asian, 0.12%; 2 homozygotes.

Submissions (4):

Blueprint Genetics
Classification: Uncertain significance. Last evaluated: 2024-10-29. Review status: criteria provided, single submitter. Criteria: ACMG Guidelines, 2015. Collection method: clinical testing. Allele origin: germline.

Labcorp Genetics (formerly Invitae), Labcorp
Classification: Uncertain significance for Jeune thoracic dystrophy. Last evaluated: 2023-11-27. Review status: criteria provided, single submitter. Criteria: Invitae Variant Classification Sherloc (09022015). Collection method: clinical testing. Allele origin: germline.
Comment: This sequence change replaces arginine, which is basic and polar, with histidine, which is basic and polar, at codon 609 of the IFT80 protein (p.Arg609His). This variant is present in population databases (rs540494495, gnomAD 0.2%), including at least one homozygous and/or hemizygous individual. This variant has not been reported in the literature in individuals affected with IFT80-related conditions. ClinVar contains an entry for this variant (Variation ID: 1407785). Advanced modeling of protein sequence and biophysical properties (such as structural, functional, and spatial information, amino acid conservation, physicochemical variation, residue mobility, and thermodynamic stability) has been performed at Invitae for this missense variant, however the output from this modeling did not meet the statistical confidence thresholds required to predict the impact of this variant on IFT80 protein function. In summary, the available evidence is currently insufficient to determine the role of this variant in disease. Therefore, it has been classified as a Variant of Uncertain Significance.

Ambry Genetics
Classification: Uncertain significance for Inborn genetic diseases. Last evaluated: 2022-04-25. Review status: criteria provided, single submitter. Criteria: Ambry Variant Classification Scheme 2023. Collection method: clinical testing. Allele origin: germline.

Revvity Omics, Revvity
Classification: Uncertain significance for Asphyxiating thoracic dystrophy 2. Last evaluated: 2019-11-15. Review status: criteria provided, single submitter. Criteria: ACMG Guidelines, 2015. Collection method: clinical testing. Allele origin: germline.

NM_020800.3(IFT80):c.1826G>A (p.Arg609His)

Genes: TRIM59-IFT80 (TRIM59-IFT80 readthrough (NMD candidate); minus strand), IFT80 (intraflagellar transport 80; minus strand). Cytogenetic location: 3q25.33.
Variant type: single nucleotide variant.
Coding change: c.1826G>A on transcript NM_020800.3 (MANE Select); coding-DNA position 1826, G replaced by A.
Protein change: p.Arg609His; replaces arginine 609 with histidine.
Molecular consequence: missense variant. On other transcripts: non-coding transcript variant (3).
Genome position (GRCh38, 1-based): chr3:160,279,203, C>T on the plus strand (G>A on the coding strand, the complement: IFT80 is on the minus strand). VCF-style: chr3-160279203-C-T. GRCh37 (hg19) VCF-style: chr3-159996991-C-T.
Other names: c.1415G>A, p.Arg472His (NM_001190241.2, NM_001190242.2); c.1826G>A (NM_020800.2); short protein forms R472H, R609H.
Identifiers: ClinVar variation 1407785 (VCV001407785.10), dbSNP rs540494495, ClinGen allele CA2685048.